The following is an entry in ClinVar:

NM_000059.4(BRCA2):c.4205A>T (p.Asn1402Ile)

Gene: BRCA2 (BRCA2 DNA repair associated; plus strand). Cytogenetic location: 13q13.1.
Variant type: single nucleotide variant.
Coding change: c.4205A>T on transcript NM_000059.4 (MANE Select); coding-DNA position 4205, A replaced by T.
Protein change: p.Asn1402Ile; replaces asparagine 1402 with isoleucine.
Molecular consequence: missense variant. On other transcripts: non-coding transcript variant (1), intron variant (2).
Genome position (GRCh38, 1-based): chr13:32,338,560, A>T. VCF-style: chr13-32338560-A-T. GRCh37 (hg19) VCF-style: chr13-32912697-A-T.
Other names: c.4205A>T, p.Asn1402Ile (NM_001406719.1, NM_001406720.1, NM_001432077.1); c.1909+5173A>T (NM_001406721.1); c.425-5998A>T (NM_001406722.1); short protein forms N1402I.
Identifiers: ClinVar variation 4215890 (VCV004215890.1).

ClinVar aggregate classification (germline): Uncertain significance (1 of 4 stars; one submission).

Conditions:
Hereditary cancer-predisposing syndrome. Also called: Hereditary Cancer Syndrome; Hereditary neoplastic syndrome; Neoplastic Syndromes, Hereditary; Tumor predisposition. Identifiers: Orphanet 140162, MedGen C0027672, MeSH D009386, MONDO:0015356.

Submission:

Ambry Genetics
Classification: Uncertain significance for Hereditary cancer-predisposing syndrome. Last evaluated: 2025-08-04. Review status: criteria provided, single submitter. Criteria: Ambry Variant Classification Scheme 2023. Collection method: clinical testing. Allele origin: germline.
Comment: The p.N1402I variant (also known as c.4205A>T), located in coding exon 10 of the BRCA2 gene, results from an A to T substitution at nucleotide position 4205. The asparagine at codon 1402 is replaced by isoleucine, an amino acid with dissimilar properties. This amino acid position is conserved. In addition, this alteration is predicted to be tolerated by in silico analysis. Based on the available evidence, the clinical significance of this variant remains unclear.